The following is an entry in ClinVar:

NM_000136.3(FANCC):c.166-3C>T

Gene: FANCC (FA complementation group C; minus strand). Cytogenetic location: 9q22.32.
Variant type: single nucleotide variant.
Coding change: c.166-3C>T on transcript NM_000136.3 (MANE Select); 3 bases into the intron before coding-DNA position 166, C replaced by T.
Molecular consequence: intron variant.
Genome position (GRCh38, 1-based): chr9:95,247,519, G>A on the plus strand (C>T on the coding strand, the complement: FANCC is on the minus strand). VCF-style: chr9-95247519-G-A. GRCh37 (hg19) VCF-style: chr9-98009801-G-A.
Other names: c.166-3C>T (NM_001243743.2, NM_001243744.2).
Identifiers: ClinVar variation 485547 (VCV000485547.10), dbSNP rs1554857868, ClinGen allele CA658657876.

ClinVar aggregate classification (germline): Uncertain significance. Review status: criteria provided, multiple submitters, no conflicts (2 of 4 stars). 3 submissions from 3 submitters: Uncertain significance (2). 1 of the submissions does not count toward it. Last evaluated 2025-01-06.

Conditions:
Hereditary cancer-predisposing syndrome. Also called: Tumor predisposition; Hereditary Cancer Syndrome; Hereditary neoplastic syndrome; Neoplastic Syndromes, Hereditary. Identifiers: Orphanet 140162, MedGen C0027672, MeSH D009386, MONDO:0015356.
Fanconi anemia (FA). Also called: Fanconi's anemia. Identifiers: Orphanet 84, MedGen C0015625, MeSH D005199, MONDO:0019391.

Allele frequency attached by ClinVar (database versions not stated): gnomAD exomes below 0.00001.
gnomAD v4.1: 2 of 1,610,398 alleles (0.00012%); highest among the groups gnomAD compares: South Asian, 0.0011%; no homozygotes.

Submissions (3):

Labcorp Genetics (formerly Invitae), Labcorp
Classification: Uncertain significance for Fanconi anemia. Last evaluated: 2025-01-06. Review status: criteria provided, single submitter. Criteria: Invitae Variant Classification Sherloc (09022015). Collection method: clinical testing. Allele origin: germline.
Comment: This sequence change falls in intron 2 of the FANCC gene. It does not directly change the encoded amino acid sequence of the FANCC protein. It affects a nucleotide within the consensus splice site. This variant is not present in population databases (gnomAD no frequency). This variant has not been reported in the literature in individuals affected with FANCC-related conditions. ClinVar contains an entry for this variant (Variation ID: 485547). Variants that disrupt the consensus splice site are a relatively common cause of aberrant splicing (PMID: 17576681, 9536098). Algorithms developed to predict the effect of sequence changes on RNA splicing suggest that this variant is not likely to affect RNA splicing. In summary, the available evidence is currently insufficient to determine the role of this variant in disease. Therefore, it has been classified as a Variant of Uncertain Significance.

Ambry Genetics
Classification: Uncertain significance for Hereditary cancer-predisposing syndrome. Last evaluated: 2021-08-01. Review status: criteria provided, single submitter. Criteria: Ambry Variant Classification Scheme 2023. Collection method: clinical testing. Allele origin: germline.
Comment: The c.166-3C>T intronic variant results from a C to T substitution 3 nucleotides upstream from coding exon 2 in the FANCC gene. This nucleotide position is not well conserved in available vertebrate species. In silico splice site analysis predicts that this alteration will not have any significant effect on splicing. Since supporting evidence is limited at this time, the clinical significance of this alteration remains unclear.

Natera, Inc.
Classification: Uncertain significance for Fanconi anemia. Last evaluated: 2021-08-06. Review status: no assertion criteria provided. Collection method: clinical testing. Allele origin: germline. Not counted in ClinVar's aggregate classification.

Literature cited by the submitters: PubMed 17576681 (cited by Labcorp Genetics (formerly Invitae), Labcorp); PubMed 9536098 (cited by Labcorp Genetics (formerly Invitae), Labcorp).